The following is an entry in ClinVar:

NM_001130021.3(ATP6V0A1):c.1697dup (p.Asn567fs)

Gene: ATP6V0A1 (ATPase H+ transporting V0 subunit a1; plus strand). Cytogenetic location: 17q21.2.
Variant type: Duplication.
Coding change: c.1697dup on transcript NM_001130021.3 (MANE Select); coding-DNA position 1697, one base duplicated (T; older notation c.1697dupT).
Protein change: p.Asn567fs; shifts the reading frame from asparagine 567.
Molecular consequence: frameshift variant.
Genome position (GRCh38, 1-based): chr17:42,500,724, T duplicated. VCF-style (leftmost placement, unchanged base first): chr17-42500723-C-CT. GRCh37 (hg19) VCF-style: chr17-40652741-C-CT.
Other names: c.1718dup, p.Asn574fs (NM_001130020.3, NM_001378522.1, NM_001378523.1 and 3 more transcripts); c.1820dup, p.Asn608fs (NM_001378530.1, NM_001378533.1, NM_001378551.1 and 1 more transcripts); c.1841dup, p.Asn615fs (NM_001378531.1, NM_001378532.1); c.1697dup, p.Asn567fs (NM_001378535.1, NM_001378537.1, NM_001378542.1 and 3 more transcripts); c.1589dup, p.Asn531fs (NM_001378536.1, NM_001378550.1, NM_001378556.1); c.1568dup, p.Asn524fs (NM_001378538.1, NM_001378540.1); c.1538dup, p.Asn514fs (NM_001378543.1); c.1487dup, p.Asn497fs (NM_001378545.1, NM_001378554.1); and 3 more; short protein forms N485fs, N496fs, N497fs, N507fs, N514fs, N524fs, N531fs, N567fs.
Identifiers: ClinVar variation 3356245 (VCV003356245.1).
Genomic context (GRCh38, chr17:42,500,723, plus strand): 5'-CTAGGCCCATTTACCCTTAACATTTTTTTCTCTCTCCTTTTTAGCTATTTCAAGAAGCCC[C>CT]TGAATATCTACTTTGGATTTATTCCTGAAATAATCTTCATGACCTCTTTGTTTGGCTATT-3'

ClinVar aggregate classification (germline): Uncertain significance (0 of 4 stars; one submission).

Conditions:
ATP6V0A1-related condition.

Submission:

PreventionGenetics, part of Exact Sciences
Classification: Uncertain significance for ATP6V0A1-related condition. Last evaluated: 2024-06-29. Review status: no assertion criteria provided. Collection method: clinical testing. Allele origin: germline.
Comment: The ATP6V0A1 c.1718dupT variant is predicted to result in a frameshift and premature protein termination (p.Asn574Glufs*9). To our knowledge, this variant has not been reported in the literature or in a large population database, indicating this variant is rare. At this time, the clinical significance of this variant is uncertain due to the absence of conclusive functional and genetic evidence.